The following is an entry in ClinVar:

NM_000051.4(ATM):c.7527G>C (p.Met2509Ile)

Genes: ATM (ATM serine/threonine kinase; plus strand), C11orf65 (chromosome 11 open reading frame 65; minus strand). Cytogenetic location: 11q22.3.
Variant type: single nucleotide variant.
Coding change: c.7527G>C on transcript NM_000051.4 (MANE Select); coding-DNA position 7527, G replaced by C.
Protein change: p.Met2509Ile; replaces methionine 2509 with isoleucine.
Molecular consequence: missense variant. On other transcripts: non-coding transcript variant (1), intron variant (2).
Genome position (GRCh38, 1-based): chr11:108,331,455, G>C. VCF-style: chr11-108331455-G-C. GRCh37 (hg19) VCF-style: chr11-108202182-G-C.
Other names: c.7527G>C, p.Met2509Ile (NM_001351834.2); c.641-22384C>G (NM_001330368.2); c.*38+3765C>G (NM_001351110.2); short protein forms M2509I.
Identifiers: ClinVar variation 1718813 (VCV001718813.8), dbSNP rs1060501579, ClinGen allele CA382560654.
Genomic context (GRCh38, chr11:108,331,455, plus strand): 5'-TATTTGAAATACCTTGTTTCTTAATTTTGTGTCTTTTTTTTAATGGTAGAGAGACGGAAT[G>C]AAGATTCCAACATATAAATTTTTGCCTCTTATGTACCAATTGGCTGCTAGAATGGGGACC-3'
Protein context (NP_000042.3, residues 2499-2519): EVNGMMKRDG[Met2509Ile]KIPTYKFLPL

ClinVar aggregate classification (germline): Uncertain significance. Review status: criteria provided, multiple submitters, no conflicts (2 of 4 stars). 2 submissions from 2 submitters: Uncertain significance (2). Last evaluated 2022-09-04.

Conditions:
Ataxia-telangiectasia syndrome (AT). Also called: Ataxia telangiectasia (A-T); LOUIS-BAR SYNDROME; Cerebello-oculocutaneous telangiectasia; Immunodeficiency with ataxia telangiectasia; Ataxia-telangiectasia, complementation group D; AT, COMPLEMENTATION GROUP C. Identifiers: Orphanet 100, MedGen C0004135, MONDO:0008840, OMIM 208900.
Hereditary cancer-predisposing syndrome. Also called: Hereditary neoplastic syndrome; Neoplastic Syndromes, Hereditary; Tumor predisposition; Hereditary Cancer Syndrome. Identifiers: Orphanet 140162, MedGen C0027672, MeSH D009386, MONDO:0015356.

Allele frequency attached by ClinVar (database versions not stated): gnomAD exomes below 0.00001.
gnomAD v4.1: 3 of 1,612,872 alleles (0.00019%); highest among the groups gnomAD compares: African/African-American, 0.004%; no homozygotes.

Submissions (2):

Labcorp Genetics (formerly Invitae), Labcorp
Classification: Uncertain significance for Ataxia-telangiectasia syndrome. Last evaluated: 2022-09-04. Review status: criteria provided, single submitter. Criteria: Invitae Variant Classification Sherloc (09022015). Collection method: clinical testing. Allele origin: germline.
Comment: This sequence change replaces methionine, which is neutral and non-polar, with isoleucine, which is neutral and non-polar, at codon 2509 of the ATM protein (p.Met2509Ile). This variant has not been reported in the literature in individuals affected with ATM-related conditions. This variant is not present in population databases (gnomAD no frequency). Advanced modeling of protein sequence and biophysical properties (such as structural, functional, and spatial information, amino acid conservation, physicochemical variation, residue mobility, and thermodynamic stability) performed at Invitae indicates that this missense variant is not expected to disrupt ATM protein function. In summary, the available evidence is currently insufficient to determine the role of this variant in disease. Therefore, it has been classified as a Variant of Uncertain Significance.

Ambry Genetics
Classification: Uncertain significance for Hereditary cancer-predisposing syndrome. Last evaluated: 2020-09-24. Review status: criteria provided, single submitter. Criteria: Ambry Variant Classification Scheme 2023. Collection method: clinical testing. Allele origin: germline.
Comment: The p.M2509I variant (also known as c.7527G>C), located in coding exon 50 of the ATM gene, results from a G to C substitution at nucleotide position 7527. The methionine at codon 2509 is replaced by isoleucine, an amino acid with highly similar properties. This amino acid position is not well conserved in available vertebrate species. In addition, this alteration is predicted to be tolerated by in silico analysis. Since supporting evidence is limited at this time, the clinical significance of this alteration remains unclear.